The following is an entry in ClinVar:

ClinVar aggregate classification (germline): Uncertain significance (1 of 4 stars; one submission).

Submission:

Labcorp Genetics (formerly Invitae), Labcorp
Classification: Uncertain significance. Last evaluated: 2022-02-22. Review status: criteria provided, single submitter. Criteria: Invitae Variant Classification Sherloc (09022015). Collection method: clinical testing. Allele origin: germline.
Comment: This sequence change creates a premature translational stop signal (p.Glu386Glyfs*110) in the POC5 gene. It is expected to result in an absent or disrupted protein product. However, the current clinical and genetic evidence is not sufficient to establish whether loss-of-function variants in POC5 cause disease. This variant is not present in population databases (gnomAD no frequency). This variant has not been reported in the literature in individuals affected with POC5-related conditions. In summary, the available evidence is currently insufficient to determine the role of this variant in disease. Therefore, it has been classified as a Variant of Uncertain Significance.

NM_001099271.2(POC5):c.1154dup (p.Glu386fs)

Gene: POC5 (POC5 centriolar protein; minus strand). Cytogenetic location: 5q13.3.
Variant type: Duplication.
Coding change: c.1154dup on transcript NM_001099271.2 (MANE Select); coding-DNA position 1154, one base duplicated (A; older notation c.1154dupA).
Protein change: p.Glu386fs; shifts the reading frame from glutamic acid 386.
Molecular consequence: frameshift variant.
Genome position (GRCh38, 1-based): chr5:75,685,460, T duplicated on the plus strand (A on the coding strand, the reverse complement: POC5 is on the minus strand); the first of 5 consecutive T bases (chr5:75,685,460-75,685,464); duplicating any one gives the same sequence. VCF-style (leftmost placement, unchanged base first): chr5-75685459-C-CT. GRCh37 (hg19) VCF-style: chr5-74981284-C-CT.
Other names: c.1079dup, p.Glu361fs (NM_152408.3); short protein forms E361fs, E386fs.
Identifiers: ClinVar variation 2101807 (VCV002101807.4), dbSNP rs1776065172, ClinGen allele CA2580073438.